The following is an entry in ClinVar:

ClinVar aggregate classification (germline): Likely benign. Review status: criteria provided, multiple submitters, no conflicts (2 of 4 stars). 2 submissions from 2 submitters: Likely benign (2). Last evaluated 2024-04-25.

Conditions:
Bethlem myopathy 1A. Also called: Bethlem myopathy 1; Bethlem Muscular Dystrophy; MYOPATHY, BENIGN CONGENITAL, WITH CONTRACTURES. Identifiers: Orphanet 610, MedGen CN029274, MONDO:0024530, OMIM 158810.

Allele frequency attached by ClinVar (database versions not stated): gnomAD exomes 0.00001; ExAC 0.00002; TOPMed 0.00002; 1000 Genomes Project 30x 0.00016; 1000 Genomes Project 0.00020.
gnomAD v4.1: 28 of 1,612,826 alleles (0.0017%); highest among the groups gnomAD compares: African/African-American, 0.019%; no homozygotes.

Submissions (2):

Labcorp Genetics (formerly Invitae), Labcorp
Classification: Likely benign for Bethlem myopathy 1A. Last evaluated: 2024-04-25. Review status: criteria provided, single submitter. Criteria: Invitae Variant Classification Sherloc (09022015). Collection method: clinical testing. Allele origin: germline.

CeGaT Center for Human Genetics Tuebingen
Classification: Likely benign. Last evaluated: 2022-07-01. Review status: criteria provided, single submitter. Criteria: CeGaT Center For Human Genetics Tuebingen Variant Classification Criteria Version 2. Collection method: clinical testing. Allele origin: germline. Affected: yes. Observed: 1 variant allele.
Comment: COL6A1: BP4, BP7

NM_001848.3(COL6A1):c.1893C>T (p.Phe631=)

Gene: COL6A1 (collagen type VI alpha 1 chain; plus strand). Cytogenetic location: 21q22.3.
Variant type: single nucleotide variant.
Coding change: c.1893C>T on transcript NM_001848.3 (MANE Select); coding-DNA position 1893, C replaced by T.
Protein change: p.Phe631=; no amino-acid change (phenylalanine 631 retained).
Molecular consequence: synonymous variant.
Genome position (GRCh38, 1-based): chr21:46,001,323, C>T. VCF-style: chr21-46001323-C-T. GRCh37 (hg19) VCF-style: chr21-47421237-C-T.
Identifiers: ClinVar variation 1102714 (VCV001102714.33), dbSNP rs374031718, ClinGen allele CA10070649.